The following is an entry in ClinVar:

ClinVar aggregate classification (germline): Uncertain significance (1 of 4 stars; one submission).

Conditions:
Inborn genetic diseases. Identifiers: MedGen C0950123, MeSH D030342.

Submission:

Ambry Genetics
Classification: Uncertain significance for Inborn genetic diseases. Last evaluated: 2026-02-24. Review status: criteria provided, single submitter. Criteria: Ambry Variant Classification Scheme 2023. Collection method: clinical testing. Allele origin: germline.
Comment: The p.N240T variant (also known as c.719A>C), located in coding exon 5 of the ELANE gene, results from an A to C substitution at nucleotide position 719. The asparagine at codon 240 is replaced by threonine, an amino acid with similar properties. This amino acid position is conserved. In addition, this alteration is predicted to be tolerated by in silico analysis. Based on the available evidence, the clinical significance of this variant remains unclear.

NM_001972.4(ELANE):c.719A>C (p.Asn240Thr)

Gene: ELANE (elastase, neutrophil expressed; plus strand). Cytogenetic location: 19p13.3.
Variant type: single nucleotide variant.
Coding change: c.719A>C on transcript NM_001972.4 (MANE Select); coding-DNA position 719, A replaced by C.
Protein change: p.Asn240Thr; replaces asparagine 240 with threonine.
Molecular consequence: missense variant.
Genome position (GRCh38, 1-based): chr19:856,079, A>C. VCF-style: chr19-856079-A-C. GRCh37 (hg19) VCF-style: chr19-856079-A-C.
Other names: short protein forms N240T.
Identifiers: ClinVar variation 2322038 (VCV002322038.3), dbSNP rs2512169422, ClinGen allele CA402919277.